The following is an entry in ClinVar:

NM_020831.6(MRTFA):c.3078C>A (p.His1026Gln)

Gene: MRTFA (myocardin related transcription factor A; minus strand). Cytogenetic location: 22q13.1.
Variant type: single nucleotide variant.
Coding change: c.3078C>A on transcript NM_020831.6 (MANE Select); coding-DNA position 3078, C replaced by A.
Protein change: p.His1026Gln; replaces histidine 1026 with glutamine.
Molecular consequence: missense variant. On other transcripts: 3 prime UTR variant (1).
Genome position (GRCh38, 1-based): chr22:40,411,408, G>T on the plus strand (C>A on the coding strand, the complement: MRTFA is on the minus strand). VCF-style: chr22-40411408-G-T. GRCh37 (hg19) VCF-style: chr22-40807412-G-T.
Other names: c.2778C>A, p.His926Gln (NM_001282660.2); c.2928C>A, p.His976Gln (NM_001282661.3); c.*391C>A (NM_001282662.3); c.2883C>A, p.His961Gln (NM_001318139.2); short protein forms H961Q, H1026Q, H976Q, H926Q.
Identifiers: ClinVar variation 2778304 (VCV002778304.3), dbSNP rs566222798, ClinGen allele CA10249159.

ClinVar aggregate classification (germline): Uncertain significance (1 of 4 stars; one submission).

Allele frequency attached by ClinVar (database versions not stated): 1000 Genomes Project 30x 0.00016; 1000 Genomes Project 0.00020.
gnomAD v4.1: 15 of 1,565,074 alleles (0.00096%); highest among the groups gnomAD compares: South Asian, 0.0094%; no homozygotes.

Submission:

Labcorp Genetics (formerly Invitae), Labcorp
Classification: Uncertain significance. Last evaluated: 2025-07-07. Review status: criteria provided, single submitter. Criteria: Invitae Variant Classification Sherloc (09022015). Collection method: clinical testing. Allele origin: germline.
Comment: This sequence change replaces histidine, which is basic and polar, with glutamine, which is neutral and polar, at codon 926 of the MKL1 protein (p.His926Gln). This variant is present in population databases (rs566222798, gnomAD 0.008%). This variant has not been reported in the literature in individuals affected with MKL1-related conditions. ClinVar contains an entry for this variant (Variation ID: 2778304). An algorithm developed to predict the effect of missense changes on protein structure and function (PolyPhen-2) suggests that this variant is likely to be disruptive. In summary, the available evidence is currently insufficient to determine the role of this variant in disease. Therefore, it has been classified as a Variant of Uncertain Significance.